The following is an entry in ClinVar:

ClinVar aggregate classification (germline): Uncertain significance. Review status: criteria provided, multiple submitters, no conflicts (2 of 4 stars). 3 submissions from 3 submitters: Uncertain significance (2). 1 of the submissions does not count toward it. Last evaluated 2022-12-06.

Conditions:
Inborn genetic diseases. Identifiers: MedGen C0950123, MeSH D030342.
Retinitis pigmentosa 25 (RP25). Identifiers: Orphanet 791, MedGen C1864446, MONDO:0011272, OMIM 602772.

Allele frequency attached by ClinVar (database versions not stated): gnomAD 0.00001; TOPMed 0.00001; gnomAD exomes 0.00002.
gnomAD v4.1: 9 of 1,551,144 alleles (0.00058%); highest among the groups gnomAD compares: Admixed American, 0.0039%; no homozygotes.

Submissions (3):

Ambry Genetics
Classification: Uncertain significance for Inborn genetic diseases. Last evaluated: 2022-12-06. Review status: criteria provided, single submitter. Criteria: Ambry Variant Classification Scheme 2023. Collection method: clinical testing. Allele origin: germline.

Labcorp Genetics (formerly Invitae), Labcorp
Classification: Uncertain significance. Last evaluated: 2022-08-23. Review status: criteria provided, single submitter. Criteria: Invitae Variant Classification Sherloc (09022015). Collection method: clinical testing. Allele origin: germline.
Comment: This sequence change replaces serine, which is neutral and polar, with tyrosine, which is neutral and polar, at codon 1397 of the EYS protein (p.Ser1397Tyr). This variant is present in population databases (no rsID available, gnomAD 0.02%). This variant has not been reported in the literature in individuals affected with EYS-related conditions. ClinVar contains an entry for this variant (Variation ID: 968853). Algorithms developed to predict the effect of missense changes on protein structure and function output the following: SIFT: "Tolerated"; PolyPhen-2: "Benign"; Align-GVGD: "Class C0". The tyrosine amino acid residue is found in multiple mammalian species, which suggests that this missense change does not adversely affect protein function. In summary, the available evidence is currently insufficient to determine the role of this variant in disease. Therefore, it has been classified as a Variant of Uncertain Significance.

Natera, Inc.
Classification: Uncertain significance for Retinitis pigmentosa type 25. Last evaluated: 2020-08-05. Review status: no assertion criteria provided. Collection method: clinical testing. Allele origin: germline. Not counted in ClinVar's aggregate classification.

NM_001142800.2(EYS):c.4190C>A (p.Ser1397Tyr)

Gene: EYS (eyes shut homolog; minus strand). Cytogenetic location: 6q12.
Variant type: single nucleotide variant.
Coding change: c.4190C>A on transcript NM_001142800.2 (MANE Select); coding-DNA position 4190, C replaced by A.
Protein change: p.Ser1397Tyr; replaces serine 1397 with tyrosine.
Molecular consequence: missense variant.
Genome position (GRCh38, 1-based): chr6:64,591,677, G>T on the plus strand (C>A on the coding strand, the complement: EYS is on the minus strand). VCF-style: chr6-64591677-G-T. GRCh37 (hg19) VCF-style: chr6-65301570-G-T.
Other names: c.4190C>A, p.Ser1397Tyr (NM_001292009.2); short protein forms S1397Y.
Identifiers: ClinVar variation 968853 (VCV000968853.7), dbSNP rs892657143, ClinGen allele CA140340966.